The following is an entry in ClinVar:

NM_003906.5(MCM3AP):c.2620T>A (p.Phe874Ile)

Gene: MCM3AP (minichromosome maintenance complex component 3 associated protein; minus strand). Cytogenetic location: 21q22.3.
Variant type: single nucleotide variant.
Coding change: c.2620T>A on transcript NM_003906.5 (MANE Select); coding-DNA position 2620, T replaced by A.
Protein change: p.Phe874Ile; replaces phenylalanine 874 with isoleucine.
Molecular consequence: missense variant.
Genome position (GRCh38, 1-based): chr21:46,270,409, A>T on the plus strand (T>A on the coding strand, the complement: MCM3AP is on the minus strand). VCF-style: chr21-46270409-A-T. GRCh37 (hg19) VCF-style: chr21-47690323-A-T.
Other names: short protein forms F874I.
Identifiers: ClinVar variation 1897224 (VCV001897224.5), dbSNP rs1260483291, ClinGen allele CA410565673.

ClinVar aggregate classification (germline): Uncertain significance (1 of 4 stars; one submission).

Allele frequency attached by ClinVar (database versions not stated): TOPMed below 0.00001; gnomAD 0.00001.
gnomAD v4.1: 1 of 1,611,812 alleles (0.000062%); highest among the groups gnomAD compares: Non-Finnish European, 0.000085%; no homozygotes.

Submission:

Labcorp Genetics (formerly Invitae), Labcorp
Classification: Uncertain significance. Last evaluated: 2022-02-19. Review status: criteria provided, single submitter. Criteria: Invitae Variant Classification Sherloc (09022015). Collection method: clinical testing. Allele origin: germline.
Comment: This variant is not present in population databases (gnomAD no frequency). This sequence change replaces phenylalanine, which is neutral and non-polar, with isoleucine, which is neutral and non-polar, at codon 874 of the MCM3AP protein (p.Phe874Ile). This variant has not been reported in the literature in individuals affected with MCM3AP-related conditions. In summary, the available evidence is currently insufficient to determine the role of this variant in disease. Therefore, it has been classified as a Variant of Uncertain Significance. Algorithms developed to predict the effect of missense changes on protein structure and function are either unavailable or do not agree on the potential impact of this missense change (SIFT: "Deleterious"; PolyPhen-2: "Probably Damaging"; Align-GVGD: "Class C15").